The following is an entry in ClinVar:

NM_000400.4(ERCC2):c.806C>T (p.Thr269Met)

Gene: ERCC2 (ERCC excision repair 2, TFIIH core complex helicase subunit; minus strand). Cytogenetic location: 19q13.32.
Variant type: single nucleotide variant.
Coding change: c.806C>T on transcript NM_000400.4 (MANE Select); coding-DNA position 806, C replaced by T.
Protein change: p.Thr269Met; replaces threonine 269 with methionine.
Molecular consequence: missense variant.
Genome position (GRCh38, 1-based): chr19:45,364,244, G>A on the plus strand (C>T on the coding strand, the complement: ERCC2 is on the minus strand). VCF-style: chr19-45364244-G-A. GRCh37 (hg19) VCF-style: chr19-45867502-G-A.
Other names: c.734C>T, p.Thr245Met (NM_001130867.2); short protein forms T269M, T245M.
Identifiers: ClinVar variation 1761867 (VCV001761867.5), dbSNP rs1161399233, ClinGen allele CA406373985.

ClinVar aggregate classification (germline): Uncertain significance. Review status: criteria provided, multiple submitters, no conflicts (2 of 4 stars). 2 submissions from 2 submitters: Uncertain significance (2). Last evaluated 2023-08-25.

Conditions:
Inborn genetic diseases. Identifiers: MedGen C0950123, MeSH D030342.

Allele frequency attached by ClinVar (database versions not stated): gnomAD 0.00001.
gnomAD v4.1: 9 of 1,613,556 alleles (0.00056%); highest among the groups gnomAD compares: East Asian, 0.0022%; no homozygotes.

Submissions (2):

Ambry Genetics
Classification: Uncertain significance for Inborn genetic diseases. Last evaluated: 2023-08-25. Review status: criteria provided, single submitter. Criteria: Ambry Variant Classification Scheme 2023. Collection method: clinical testing. Allele origin: germline.
Comment: The p.T269M variant (also known as c.806C>T), located in coding exon 9 of the ERCC2 gene, results from a C to T substitution at nucleotide position 806. The threonine at codon 269 is replaced by methionine, an amino acid with similar properties. This amino acid position is conserved. In addition, the in silico prediction for this alteration is inconclusive. Since supporting evidence is limited at this time, the clinical significance of this alteration remains unclear.

Labcorp Genetics (formerly Invitae), Labcorp
Classification: Uncertain significance. Last evaluated: 2022-10-13. Review status: criteria provided, single submitter. Criteria: Invitae Variant Classification Sherloc (09022015). Collection method: clinical testing. Allele origin: germline.
Comment: This sequence change replaces threonine, which is neutral and polar, with methionine, which is neutral and non-polar, at codon 269 of the ERCC2 protein (p.Thr269Met). This variant is not present in population databases (gnomAD no frequency). This variant has not been reported in the literature in individuals affected with ERCC2-related conditions. Advanced modeling of protein sequence and biophysical properties (such as structural, functional, and spatial information, amino acid conservation, physicochemical variation, residue mobility, and thermodynamic stability) performed at Invitae indicates that this missense variant is not expected to disrupt ERCC2 protein function. In summary, the available evidence is currently insufficient to determine the role of this variant in disease. Therefore, it has been classified as a Variant of Uncertain Significance.